The following is an entry in ClinVar:

NM_198904.4(GABRG2):c.923G>A (p.Gly308Asp)

Gene: GABRG2 (gamma-aminobutyric acid type A receptor subunit gamma2; plus strand). Cytogenetic location: 5q34.
Variant type: single nucleotide variant.
Coding change: c.923G>A on transcript NM_198904.4 (MANE Select); coding-DNA position 923, G replaced by A.
Protein change: p.Gly308Asp; replaces glycine 308 with aspartic acid.
Molecular consequence: missense variant. On other transcripts: intron variant (1).
Genome position (GRCh38, 1-based): chr5:162,149,108, G>A. VCF-style: chr5-162149108-G-A. GRCh37 (hg19) VCF-style: chr5-161576114-G-A.
Other names: c.923G>A, p.Gly308Asp (NM_000816.3); c.914G>A, p.Gly305Asp (NM_001375339.1); c.920G>A, p.Gly307Asp (NM_001375341.1, NM_001375342.1); c.1043G>A, p.Gly348Asp (NM_001375343.1, NM_198903.2); c.962G>A, p.Gly321Asp (NM_001375344.1); c.857G>A, p.Gly286Asp (NM_001375345.1, NM_001375346.1); c.836G>A, p.Gly279Asp (NM_001375347.1); c.503G>A, p.Gly168Asp (NM_001375348.1, NM_001375350.1); and 2 more; short protein forms G348D, G213D, G307D, G321D, G168D, G279D, G305D, G308D.
Identifiers: ClinVar variation 1480388 (VCV001480388.6), dbSNP rs1765171348, ClinGen allele CA362182295.

ClinVar aggregate classification (germline): Uncertain significance (1 of 4 stars; one submission).

Conditions:
EPILEPSY, CHILDHOOD ABSENCE, SUSCEPTIBILITY TO, 2 (ECA2). Identifiers: Orphanet 64280, MedGen C1843244, OMIM 607681.
Febrile seizures, familial, 8 (FEB8). Also called: CONVULSIONS, FAMILIAL FEBRILE, 8. Identifiers: Orphanet 36387, MedGen C1969810, MONDO:0011891, OMIM 607681.

Submission:

Labcorp Genetics (formerly Invitae), Labcorp
Classification: Uncertain significance for Febrile seizures, familial, 8; EPILEPSY, CHILDHOOD ABSENCE, SUSCEPTIBILITY TO, 2. Last evaluated: 2021-10-10. Review status: criteria provided, single submitter. Criteria: Invitae Variant Classification Sherloc (09022015). Collection method: clinical testing. Allele origin: germline.
Comment: This missense change has been observed in individual(s) with clinical features of GABRG2-related conditions (Invitae). This variant is not present in population databases (ExAC no frequency). This sequence change replaces glycine with aspartic acid at codon 308 of the GABRG2 protein (p.Gly308Asp). The glycine residue is highly conserved and there is a moderate physicochemical difference between glycine and aspartic acid. In summary, the available evidence is currently insufficient to determine the role of this variant in disease. Therefore, it has been classified as a Variant of Uncertain Significance. Algorithms developed to predict the effect of missense changes on protein structure and function (SIFT, PolyPhen-2, Align-GVGD) all suggest that this variant is likely to be disruptive.